The following is an entry in ClinVar:

ClinVar aggregate classification (germline): Uncertain significance (1 of 4 stars; one submission).

Submission:

GeneDx
Classification: Uncertain significance. Last evaluated: 2025-03-06. Review status: criteria provided, single submitter. Criteria: GeneDx Variant Classification Process June 2021. Collection method: clinical testing. Allele origin: germline. Affected: yes.
Comment: Not observed at significant frequency in large population cohorts (gnomAD); In silico analysis supports that this missense variant has a deleterious effect on protein structure/function; Has not been previously published as pathogenic or benign to our knowledge

NM_006922.4(SCN3A):c.2713G>A (p.Gly905Ser)

Gene: SCN3A (sodium voltage-gated channel alpha subunit 3; minus strand). Cytogenetic location: 2q24.3.
Variant type: single nucleotide variant.
Coding change: c.2713G>A on transcript NM_006922.4 (MANE Select); coding-DNA position 2713, G replaced by A.
Protein change: p.Gly905Ser; replaces glycine 905 with serine.
Molecular consequence: missense variant.
Genome position (GRCh38, 1-based): chr2:165,130,149, C>T on the plus strand (G>A on the coding strand, the complement: SCN3A is on the minus strand). VCF-style: chr2-165130149-C-T. GRCh37 (hg19) VCF-style: chr2-165986659-C-T.
Other names: c.2566G>A, p.Gly856Ser (NM_001081676.2, NM_001081677.2); short protein forms G856S, G905S.
Identifiers: ClinVar variation 4083063 (VCV004083063.1).
Genomic context (GRCh38, chr2:165,130,149, plus strand): 5'-GCCACCGTGGGAGCGTACAGTCATCATTGATCTTGCAGACACATTCTTTGTAGCTCTTAC[C>T]AAAGAGCTGCATGCCGACCACAGCAAAAATGAAGACGATGATGGCCAACACCAAGGTGAG-3'
Protein context (NP_008853.3, residues 895-915): IFAVVGMQLF[Gly905Ser]KSYKECVCKI